The following is an entry in ClinVar:

ClinVar aggregate classification (germline): Pathogenic/Likely pathogenic. Review status: criteria provided, multiple submitters, no conflicts (2 of 4 stars). 3 submissions from 3 submitters: Pathogenic (1); Likely pathogenic (1). 1 of the submissions does not count toward it. Last evaluated 2022-04-07.

Conditions:
Erythrokeratodermia variabilis et progressiva 3 (EKVP3). Identifiers: MedGen C4479619, MONDO:0033013, OMIM 617525.
Oculodentodigital dysplasia, autosomal recessive. Also called: OCULODENTOOSSEOUS DYSPLASIA, AUTOSOMAL RECESSIVE; ODDD, AUTOSOMAL RECESSIVE; ODOD, AUTOSOMAL RECESSIVE. Identifiers: Orphanet 2710, MedGen C2749477, MONDO:0009768, OMIM 257850.

Submissions (3):

Labcorp Genetics (formerly Invitae), Labcorp
Classification: Likely pathogenic for Oculodentodigital dysplasia, autosomal recessive. Last evaluated: 2022-04-07. Review status: criteria provided, single submitter. Criteria: Invitae Variant Classification Sherloc (09022015). Collection method: clinical testing. Allele origin: germline.
Comment: This sequence change replaces alanine, which is neutral and non-polar, with valine, which is neutral and non-polar, at codon 44 of the GJA1 protein (p.Ala44Val). This variant is not present in population databases (gnomAD no frequency). This missense change has been observed in individual(s) with erythrokeratodermia variabilis et progressiva (PMID: 25398053, 30628963; Invitae). In at least one individual the variant was observed to be de novo. ClinVar contains an entry for this variant (Variation ID: 203469). Algorithms developed to predict the effect of missense changes on protein structure and function are either unavailable or do not agree on the potential impact of this missense change (SIFT: "Deleterious"; PolyPhen-2: "Benign"; Align-GVGD: "Class C55"). Experimental studies are conflicting or provide insufficient evidence to determine the effect of this variant on GJA1 function (PMID: 25398053, 30631135). In summary, the currently available evidence indicates that the variant is pathogenic, but additional data are needed to prove that conclusively. Therefore, this variant has been classified as Likely Pathogenic.

Institute of Human Genetics Munich, TUM University Hospital
Classification: Pathogenic for Erythrokeratodermia variabilis et progressiva 3. Last evaluated: 2019-12-17. Review status: criteria provided, single submitter. Criteria: Classification criteria August 2017. Collection method: clinical testing. Allele origin: germline. Inheritance: Autosomal dominant inheritance. Affected: yes. Observed: 1 heterozygote.

OMIM
Classification: Pathogenic for ERYTHROKERATODERMIA VARIABILIS ET PROGRESSIVA 3. Last evaluated: 2015-06-01. Review status: no assertion criteria provided. Collection method: literature only. Allele origin: germline. Not counted in ClinVar's aggregate classification.

Literature cited by the submitters: PubMed 25398053 (cited by 3 submitters); PubMed 30628963 (cited by Labcorp Genetics (formerly Invitae), Labcorp); PubMed 30631135 (cited by Labcorp Genetics (formerly Invitae), Labcorp).

NM_000165.5(GJA1):c.131C>T (p.Ala44Val)

Gene: GJA1 (gap junction protein alpha 1; plus strand). Cytogenetic location: 6q22.31.
Variant type: single nucleotide variant.
Coding change: c.131C>T on transcript NM_000165.5 (MANE Select); coding-DNA position 131, C replaced by T.
Protein change: p.Ala44Val; replaces alanine 44 with valine.
Molecular consequence: missense variant.
Genome position (GRCh38, 1-based): chr6:121,446,978, C>T. VCF-style: chr6-121446978-C-T. GRCh37 (hg19) VCF-style: chr6-121768124-C-T.
Other names: short protein forms A44V.
Identifiers: ClinVar variation 203469 (VCV000203469.8), dbSNP rs794729675, ClinGen allele CA203901.